The following is an entry in ClinVar:

ClinVar aggregate classification (germline): Pathogenic/Likely pathogenic. Review status: criteria provided, multiple submitters, no conflicts (2 of 4 stars). 2 submissions from 2 submitters: Pathogenic (1); Likely pathogenic (1). Last evaluated 2024-04-09.

Conditions:
Marfan syndrome (MFS). Also called: MARFAN SYNDROME, TYPE I; FBN1-Related Marfan Syndrome; Marfan syndrome type 1; Marfan's syndrome; Marfan syndrome, classic. Identifiers: Orphanet 284963, Orphanet 558, MedGen C0024796, MONDO:0007947, OMIM 154700.
Familial thoracic aortic aneurysm and aortic dissection (TAAD). Also called: Thoracic aortic aneurysms and dissections. Identifiers: Orphanet 91387, MedGen C4707243, MONDO:0019625.

Submissions (2):

Labcorp Genetics (formerly Invitae), Labcorp
Classification: Pathogenic for Marfan syndrome; Familial thoracic aortic aneurysm and aortic dissection. Last evaluated: 2024-04-09. Review status: criteria provided, single submitter. Criteria: Invitae Variant Classification Sherloc (09022015). Collection method: clinical testing. Allele origin: germline.
Comment: This sequence change replaces cysteine, which is neutral and slightly polar, with serine, which is neutral and polar, at codon 2390 of the FBN1 protein (p.Cys2390Ser). This variant is not present in population databases (gnomAD no frequency). This missense change has been observed in individual(s) with Marfan syndrome (PMID: 31825148). ClinVar contains an entry for this variant (Variation ID: 690431). Advanced modeling of protein sequence and biophysical properties (such as structural, functional, and spatial information, amino acid conservation, physicochemical variation, residue mobility, and thermodynamic stability) performed at Invitae indicates that this missense variant is expected to disrupt FBN1 protein function with a positive predictive value of 95%. This variant affects a cysteine residue in the EGF-like, TGFBP or hybrid motif domains of FBN1. Cysteine residues are believed to be involved in intramolecular disulfide bridges and have been shown to be important for FBN1 protein structure (PMID: 16905551, 19349279). In addition, missense substitutions affecting cysteine residues within these domains are significantly overrepresented among patients with Marfan syndrome (PMID: 16571647, 17701892). This variant disrupts the p.Cys2390 amino acid residue in FBN1. Other variant(s) that disrupt this residue have been observed in individuals with FBN1-related conditions (PMID: 33059708; Invitae), which suggests that this may be a clinically significant amino acid residue. For these reasons, this variant has been classified as Pathogenic.

Petrovsky National Research Centre of Surgery, The Federal Agency for Scientific Organizations
Classification: Likely pathogenic for Marfan syndrome. Last evaluated: 2019-08-01. Review status: criteria provided, single submitter. Criteria: ACMG Guidelines, 2015. Collection method: clinical testing. Allele origin: inherited. Inheritance: Autosomal dominant inheritance. Affected: yes. Observed: 1 heterozygote.
Comment: The p.Cys2390Ser has been reported in individual with MFS (PMID:17663468), and was absent from large population studies. Other substitution (p.Cys2390Arg) has been previously reported in the ClinVar (rs397515847, variation ID:42421) with Likely pathogenic classification. Prediction tools like NetGene2, Provean, SIFT, PolyPhen2 show a damaging result for p.Cys2390Ser. According to revised Ghent nosology one of the criteria for causal FBN1 mutation is missense variants affecting/creating cysteine residues (doi:10.1136/jmg.2009.072785). Basing on above-mentioned evidences we evaluate the p.Cys2390Ser variant as likely pathogenic. Functional study deemed necessary.

Literature cited by the submitters: PubMed 31825148 (cited by Labcorp Genetics (formerly Invitae), Labcorp); PubMed 16905551 (cited by Labcorp Genetics (formerly Invitae), Labcorp); PubMed 19349279 (cited by Labcorp Genetics (formerly Invitae), Labcorp); PubMed 16571647 (cited by Labcorp Genetics (formerly Invitae), Labcorp); PubMed 17701892 (cited by Labcorp Genetics (formerly Invitae), Labcorp); PubMed 33059708 (cited by Labcorp Genetics (formerly Invitae), Labcorp).

NM_000138.5(FBN1):c.7168T>A (p.Cys2390Ser)

Gene: FBN1 (fibrillin 1; minus strand). Cytogenetic location: 15q21.1.
Variant type: single nucleotide variant.
Coding change: c.7168T>A on transcript NM_000138.5 (MANE Select); coding-DNA position 7168, T replaced by A.
Protein change: p.Cys2390Ser; replaces cysteine 2390 with serine.
Molecular consequence: missense variant.
Genome position (GRCh38, 1-based): chr15:48,427,603, A>T on the plus strand (T>A on the coding strand, the complement: FBN1 is on the minus strand). VCF-style: chr15-48427603-A-T. GRCh37 (hg19) VCF-style: chr15-48719800-A-T.
Other names: short protein forms C2390S.
Identifiers: ClinVar variation 690431 (VCV000690431.6), dbSNP rs397515847, ClinGen allele CA392329281.
Genomic context (GRCh38, chr15:48,427,603, plus strand): 5'-ATTTTTGGACTATAAATGAAGTACCTGCTCCATTGGTCATGAATCCTCGGCCATGGGGAC[A>T]GAGTTTCTTGAAAGCCACAGTCCCCTGGAAAGGGCAGATCTCACAGTGGGGACCCCAGCC-3'
Protein context (NP_000129.3, residues 2380-2400): FQGTVAFKKL[Cys2390Ser]PHGRGFMTNG